The following is an entry in ClinVar:

NM_000478.6(ALPL):c.*694dup

Gene: ALPL (alkaline phosphatase, biomineralization associated; plus strand). Cytogenetic location: 1p36.12.
Variant type: Duplication.
Coding change: c.*694dup on transcript NM_000478.6 (MANE Select); 694 bases downstream of the stop codon, one base duplicated (T; older notation c.*694dupT).
Molecular consequence: 3 prime UTR variant.
Genome position (GRCh38, 1-based): chr1:21,578,342, T duplicated; the last of 9 consecutive T bases (chr1:21,578,334-21,578,342); duplicating any one gives the same sequence. VCF-style (leftmost placement, unchanged base first): chr1-21578333-A-AT. GRCh37 (hg19) VCF-style: chr1-21904826-A-AT.
Other names: c.*694dup (NM_001127501.4, NM_001177520.3, NM_001369803.2 and 2 more transcripts).
Identifiers: ClinVar variation 295571 (VCV000295571.35), dbSNP rs200291738, ClinGen allele CA10609033.
Genomic context (GRCh38, chr1:21,578,333, plus strand): 5'-CTGAACACACACGCCAGCTCCTCTCTGAAGCGACTCTCCTGTTTGGAACGGCAAAAAAAA[A>AT]TTTTTTTTTCTCTTTTTGGTGGTGGTTAAAAGGGAACACAAAACATTTAAATAAAACTTT-3'

ClinVar aggregate classification (germline): Benign (1 of 4 stars; one submission).

Submission:

CeGaT Center for Human Genetics Tuebingen
Classification: Benign. Last evaluated: 2022-09-01. Review status: criteria provided, single submitter. Criteria: CeGaT Center For Human Genetics Tuebingen Variant Classification Criteria Version 2. Collection method: clinical testing. Allele origin: germline. Affected: yes. Observed: 1 variant allele.
Comment: ALPL: BS1, BS2